The following is an entry in ClinVar:

NM_000179.3(MSH6):c.2949G>A (p.Glu983=)

Gene: MSH6 (mutS homolog 6; plus strand). Cytogenetic location: 2p16.3.
Variant type: single nucleotide variant.
Coding change: c.2949G>A on transcript NM_000179.3 (MANE Select); coding-DNA position 2949, G replaced by A.
Protein change: p.Glu983=; no amino-acid change (glutamic acid 983 retained).
Molecular consequence: synonymous variant. On other transcripts: non-coding transcript variant (5), intron variant (2).
Genome position (GRCh38, 1-based): chr2:47,800,932, G>A. VCF-style: chr2-47800932-G-A. GRCh37 (hg19) VCF-style: chr2-48028071-G-A.
Other names: c.2559G>A, p.Glu853= (NM_001281492.2); c.2043G>A, p.Glu681= (NM_001281493.2, NM_001281494.2, NM_001406811.1 and 6 more transcripts); c.3045G>A, p.Glu1015= (NM_001406795.1, NM_001406802.1); c.2949G>A, p.Glu983= (NM_001406796.1, NM_001406798.1, NM_001406800.1 and 2 more transcripts); c.2652G>A, p.Glu884= (NM_001406797.1, NM_001406801.1, NM_001406805.1 and 10 more transcripts); c.2424G>A, p.Glu808= (NM_001406799.1, NM_001406806.1, NM_001406807.1); c.2871G>A, p.Glu957= (NM_001406804.1); c.2955G>A, p.Glu985= (NM_001406813.1); and 4 more.
Identifiers: ClinVar variation 3903849 (VCV003903849.1).
Genomic context (GRCh38, chr2:47,800,932, plus strand): 5'-CTGTAGGACCATAGTCTATTGGGGGATTGGTAGGAACCGTTACCAGCTGGAAATTCCTGA[G>A]AATTTCACCACTCGCAATTTGCCAGAAGAATACGAGTTGAAATCTACCAAGAAGGGCTGT-3'
Protein context (NP_000170.1, residues 973-993): GRNRYQLEIP[Glu983=]NFTTRNLPEE

ClinVar aggregate classification (germline): Benign (1 of 4 stars; one submission).

Conditions:
Lynch syndrome 5 (LYNCH5). Also called: Colorectal cancer, hereditary nonpolyposis, type 5; Hereditary non-polyposis colorectal cancer, type 5. Identifiers: Orphanet 144, MedGen C1833477, MONDO:0013710, OMIM 614350. Disease mechanism: loss of function.

Submission:

Myriad Genetics, Inc.
Classification: Benign for Lynch syndrome 5. Last evaluated: 2025-01-02. Review status: criteria provided, single submitter. Criteria: Myriad Autosomal Dominant, Autosomal Recessive and X-Linked Classification Criteria (2023). Collection method: clinical testing. Allele origin: unknown.
Comment: This variant is considered benign. This variant is a silent/synonymous amino acid change and it is not expected to impact splicing.